The following is an entry in ClinVar:

NM_001754.5(RUNX1):c.733C>T (p.Pro245Ser)

Gene: RUNX1 (RUNX family transcription factor 1; minus strand). Cytogenetic location: 21q22.12.
Variant type: single nucleotide variant.
Coding change: c.733C>T on transcript NM_001754.5 (MANE Select); coding-DNA position 733, C replaced by T.
Protein change: p.Pro245Ser; replaces proline 245 with serine.
Molecular consequence: missense variant.
Genome position (GRCh38, 1-based): chr21:34,834,482, G>A on the plus strand (C>T on the coding strand, the complement: RUNX1 is on the minus strand). VCF-style: chr21-34834482-G-A. GRCh37 (hg19) VCF-style: chr21-36206779-G-A.
Other names: NM_001754.5(RUNX1):c.733C>T; p.Pro245Ser; c.652C>T, p.Pro218Ser (NM_001001890.3, NM_001122607.2); short protein forms P245S, P218S.
Identifiers: ClinVar variation 582967 (VCV000582967.10), dbSNP rs1393294594, ClinGen allele CA410206799.

ClinVar aggregate classification (germline): Uncertain significance. Review status: reviewed by expert panel (3 of 4 stars). 3 submissions from 3 submitters: Uncertain significance (1). 2 of the submissions do not count toward it. Last evaluated 2024-09-25.

Conditions:
Hereditary thrombocytopenia and hematologic cancer predisposition syndrome. Identifiers: Orphanet 71290, MedGen CN281654, MONDO:0011071.
Inborn genetic diseases. Identifiers: MedGen C0950123, MeSH D030342.
Hereditary thrombocytopenia and hematological cancer predisposition syndrome associated with RUNX1. Also called: Familial Platelet Disorder with Propensity to Acute Myelogenous Leukemia; Familial thrombocytopenia with propensity to acute myelogenous leukemia; PLATELET DISORDER, ASPIRIN-LIKE; RUNX1 Familial Platelet Disorder with Associated Myeloid Malignancies. Identifiers: Orphanet 71290, MedGen C1832388, MeSH C563324, MONDO:0100083, OMIM 601399.

Allele frequency attached by ClinVar (database versions not stated): gnomAD exomes below 0.00001; gnomAD 0.00001; TOPMed 0.00002.
gnomAD v4.1: 7 of 1,613,324 alleles (0.00043%); highest among the groups gnomAD compares: Non-Finnish European, 0.00059%; no homozygotes.

Submissions (3):

ClinGen Myeloid Malignancy Variant Curation Expert Panel
Classification: Uncertain significance for Hereditary thrombocytopenia and hematologic cancer predisposition syndrome. Last evaluated: 2024-09-25. Review status: reviewed by expert panel. Criteria: ClinGen MyeloMalig ACMG Specifications v2. Collection method: curation. Allele origin: germline. Inheritance: Autosomal dominant inheritance.
Comment: NM_001754.5(RUNX1):c.733C>T (p.Pro245Ser) is a missense variant which has a REVEL score < 0.50 (0.444) and a SpliceAI score ≤ 0.20 (0.02) (BP4). In summary, the clinical significance of this variant is uncertain. ACMG/AMP criteria applied, as specified by the Myeloid Malignancy Variant Curation Expert Panel for RUNX1: BP4.

Ambry Genetics
Classification: Uncertain significance for Inborn genetic diseases. Last evaluated: 2025-01-23. Review status: criteria provided, single submitter. Criteria: Ambry Variant Classification Scheme 2023. Collection method: clinical testing. Allele origin: germline. Not counted in ClinVar's aggregate classification.
Comment: The p.P245S variant (also known as c.733C>T), located in coding exon 6 of the RUNX1 gene, results from a C to T substitution at nucleotide position 733. The proline at codon 245 is replaced by serine, an amino acid with similar properties. This amino acid position is highly conserved in available vertebrate species. In addition, the in silico prediction for this alteration is inconclusive. Based on the available evidence, the clinical significance of this variant remains unclear.

Labcorp Genetics (formerly Invitae), Labcorp
Classification: Uncertain significance for Hereditary thrombocytopenia and hematological cancer predisposition syndrome associated with RUNX1. Last evaluated: 2023-09-28. Review status: criteria provided, single submitter. Criteria: Invitae Variant Classification Sherloc (09022015). Collection method: clinical testing. Allele origin: germline. Not counted in ClinVar's aggregate classification.
Comment: ClinVar contains an entry for this variant (Variation ID: 582967). This sequence change replaces proline, which is neutral and non-polar, with serine, which is neutral and polar, at codon 245 of the RUNX1 protein (p.Pro245Ser). This variant is not present in population databases (gnomAD no frequency). This missense change has been observed in individual(s) with bone marrow failure (PMID: 29146883). Advanced modeling of protein sequence and biophysical properties (such as structural, functional, and spatial information, amino acid conservation, physicochemical variation, residue mobility, and thermodynamic stability) performed at Invitae indicates that this missense variant is not expected to disrupt RUNX1 protein function. In summary, the available evidence is currently insufficient to determine the role of this variant in disease. Therefore, it has been classified as a Variant of Uncertain Significance.

Literature cited by the submitters: PubMed 29146883 (cited by Labcorp Genetics (formerly Invitae), Labcorp).